The following is an entry in ClinVar:

NM_015335.5(MED13L):c.1992dup (p.Glu665fs)

Gene: MED13L (mediator complex subunit 13L; minus strand). Cytogenetic location: 12q24.21.
Variant type: Duplication.
Coding change: c.1992dup on transcript NM_015335.5 (MANE Select); coding-DNA position 1992, one base duplicated (A; older notation c.1992dupA).
Protein change: p.Glu665fs; shifts the reading frame from glutamic acid 665.
Molecular consequence: frameshift variant.
Genome position (GRCh38, 1-based): chr12:116,008,421, T duplicated on the plus strand (A on the coding strand, the reverse complement: MED13L is on the minus strand). VCF-style (leftmost placement, unchanged base first): chr12-116008420-C-CT. GRCh37 (hg19) VCF-style: chr12-116446225-C-CT.
Other names: c.1992dupA (NM_015335.4); short protein forms E665fs.
Identifiers: ClinVar variation 373445 (VCV000373445.3), dbSNP rs1057518424, ClinGen allele CA16042875.

ClinVar aggregate classification (germline): Pathogenic (1 of 4 stars; one submission).

Submission:

GeneDx
Classification: Pathogenic. Last evaluated: 2020-06-03. Review status: criteria provided, single submitter. Criteria: GeneDx Variant Classification Process June 2021. Collection method: clinical testing. Allele origin: germline. Affected: yes.
Comment: Frameshift variant predicted to result in protein truncation or nonsense mediated decay in a gene for which loss-of-function is a known mechanism of disease; Not observed in large population cohorts (Lek et al., 2016); Has not been previously published as pathogenic or benign to our knowledge